The following is an entry in ClinVar:

ClinVar aggregate classification (germline): Uncertain significance (1 of 4 stars; one submission).

Conditions:
Platelet-type bleeding disorder 10. Also called: CD36 DEFICIENCY. Identifiers: MedGen C1842090, MONDO:0012031, OMIM 608404.

Allele frequency attached by ClinVar (database versions not stated): gnomAD exomes 0.00002 and 0.00004; ExAC 0.00003; gnomAD 0.00003 and 0.00005; TOPMed 0.00006; 1000 Genomes Project 0.00020; 1000 Genomes Project 30x 0.00031.
gnomAD v4.1: 43 of 1,614,032 alleles (0.0027%); highest among the groups gnomAD compares: East Asian, 0.094%; no homozygotes.

Submission:

Illumina Laboratory Services, Illumina
Classification: Uncertain significance for Platelet-type bleeding disorder 10. Last evaluated: 2017-04-27. Review status: criteria provided, single submitter. Criteria: ICSL Variant Classification Criteria 13 December 2019. Collection method: clinical testing. Allele origin: germline.
Comment: This variant was observed as part of a predisposition screen in an ostensibly healthy population. A literature search was performed for the gene, cDNA change, and amino acid change (where applicable). Publications were found based on this search. However, the evidence from the literature, in combination with allele frequency data from public databases where available, was not sufficient to rule this variant in or out of causing disease. Therefore, this variant is classified as a variant of unknown significance.

Literature cited by the submitters: PubMed 12031598.

NM_001001548.3(CD36):c.410T>C (p.Val137Ala)

Gene: CD36 (CD36 molecule (CD36 blood group); plus strand). Cytogenetic location: 7q21.11.
Variant type: single nucleotide variant.
Coding change: c.410T>C on transcript NM_001001548.3 (MANE Select); coding-DNA position 410, T replaced by C.
Protein change: p.Val137Ala; replaces valine 137 with alanine.
Molecular consequence: missense variant. On other transcripts: 5 prime UTR variant (2), non-coding transcript variant (1).
Genome position (GRCh38, 1-based): chr7:80,661,191, T>C. VCF-style: chr7-80661191-T-C. GRCh37 (hg19) VCF-style: chr7-80290507-T-C.
Other names: c.410T>C, p.Val137Ala (NM_000072.3, NM_001001547.3, NM_001127443.2 and 7 more transcripts); c.182T>C, p.Val61Ala (NM_001289911.2); c.308T>C, p.Val103Ala (NM_001371079.1); c.-56T>C (NM_001371080.1); c.-73T>C (NM_001371081.1); short protein forms V137A, V103A, V61A.
Identifiers: ClinVar variation 909795 (VCV000909795.4), dbSNP rs2272350, ClinGen allele CA4315155.